The following is an entry in ClinVar:

ClinVar aggregate classification (germline): Uncertain significance. Review status: criteria provided, multiple submitters, no conflicts (2 of 4 stars). 2 submissions from 2 submitters: Uncertain significance (2). Last evaluated 2025-09-27.

Conditions:
Hyperaldosteronism, familial, type IV (HALD4). Also called: FH IV; ALDOSTERONISM, PRIMARY, AND HYPERTENSION. Identifiers: Orphanet 642671, MedGen C4310756, MONDO:0014875, OMIM 617027.
Epilepsy, childhood absence, susceptibility to, 6. Identifiers: Orphanet 64280, MedGen C2749872, MONDO:0012763, OMIM 611942.
Idiopathic generalized epilepsy. Also called: Generalised epilepsy; EIG. Identifiers: MedGen C0270850, MONDO:0005579, OMIM 600669.

gnomAD v4.1: 21 of 1,417,542 alleles (0.0015%); highest among the groups gnomAD compares: Non-Finnish European, 0.0019%; no homozygotes.

Submissions (2):

Labcorp Genetics (formerly Invitae), Labcorp
Classification: Uncertain significance for Idiopathic generalized epilepsy; Hyperaldosteronism, familial, type IV. Last evaluated: 2025-09-27. Review status: criteria provided, single submitter. Criteria: Invitae Variant Classification Sherloc (09022015). Collection method: clinical testing. Allele origin: germline.
Comment: This sequence change replaces glycine, which is neutral and non-polar, with valine, which is neutral and non-polar, at codon 47 of the CACNA1H protein (p.Gly47Val). This variant is not present in population databases (gnomAD no frequency). This variant has not been reported in the literature in individuals affected with CACNA1H-related conditions. ClinVar contains an entry for this variant (Variation ID: 1519014). Invitae Evidence Modeling of protein sequence and biophysical properties (such as structural, functional, and spatial information, amino acid conservation, physicochemical variation, residue mobility, and thermodynamic stability) indicates that this missense variant is not expected to disrupt CACNA1H protein function with a negative predictive value of 95%. In summary, the available evidence is currently insufficient to determine the role of this variant in disease. Therefore, it has been classified as a Variant of Uncertain Significance.

Fulgent Genetics
Classification: Uncertain significance for Epilepsy, childhood absence, susceptibility to, 6; Hyperaldosteronism, familial, type IV. Last evaluated: 2024-02-19. Review status: criteria provided, single submitter. Criteria: ACMG Guidelines, 2015. Collection method: clinical testing. Allele origin: germline.

NM_021098.3(CACNA1H):c.140G>T (p.Gly47Val)

Gene: CACNA1H (calcium voltage-gated channel subunit alpha1 H; plus strand). Cytogenetic location: 16p13.3.
Variant type: single nucleotide variant.
Coding change: c.140G>T on transcript NM_021098.3 (MANE Select); coding-DNA position 140, G replaced by T.
Protein change: p.Gly47Val; replaces glycine 47 with valine.
Molecular consequence: missense variant.
Genome position (GRCh38, 1-based): chr16:1,153,877, G>T. VCF-style: chr16-1153877-G-T. GRCh37 (hg19) VCF-style: chr16-1203877-G-T.
Other names: c.140G>T, p.Gly47Val (NM_001005407.2); short protein forms G47V.
Identifiers: ClinVar variation 1519014 (VCV001519014.9), dbSNP rs1555498163, ClinGen allele CA394145648.